The following is an entry in ClinVar:

NM_001148.6(ANK2):c.1682A>G (p.Lys561Arg)

Gene: ANK2 (ankyrin 2; plus strand). Cytogenetic location: 4q26.
Variant type: single nucleotide variant.
Coding change: c.1682A>G on transcript NM_001148.6 (MANE Select); coding-DNA position 1682, A replaced by G.
Protein change: p.Lys561Arg; replaces lysine 561 with arginine.
Molecular consequence: missense variant.
Genome position (GRCh38, 1-based): chr4:113,274,648, A>G. VCF-style: chr4-113274648-A-G. GRCh37 (hg19) VCF-style: chr4-114195804-A-G.
Other names: c.1619A>G, p.Lys540Arg (NM_001354254.2, NM_001354255.2, NM_001354256.2 and 14 more transcripts); c.1682A>G, p.Lys561Arg (NM_001354258.2, NM_001354265.2, NM_020977.5 and 8 more transcripts); c.1595A>G, p.Lys532Arg (NM_001354260.2, NM_001354264.2, NM_001354276.2 and 13 more transcripts); c.1640A>G, p.Lys547Arg (NM_001354261.2, NM_001386147.1, NM_001386160.1); c.1397A>G, p.Lys466Arg (NM_001354277.2, NM_001386157.1, NM_001386158.1); c.1727A>G, p.Lys576Arg (NM_001386144.1, NM_001386152.1, NM_001354230.2 and 5 more transcripts); c.1670A>G, p.Lys557Arg (NM_001386148.2, NM_001386186.2); c.1472A>G, p.Lys491Arg (NM_001354269.3); and 4 more; short protein forms K570R, K466R, K491R, K540R, K549R, K576R, K532R, K547R.
Identifiers: ClinVar variation 2181380 (VCV002181380.7), dbSNP rs1247730042, ClinGen allele CA357908262.

ClinVar aggregate classification (germline): Uncertain significance. Review status: criteria provided, multiple submitters, no conflicts (2 of 4 stars). 3 submissions from 3 submitters: Uncertain significance (3). Last evaluated 2024-03-24.

Conditions:
Cardiovascular phenotype. Identifiers: MedGen CN230736.
Long QT syndrome (LQTS). Identifiers: MedGen C0023976, MeSH D008133, MONDO:0002442. Disease mechanism: loss of function. Inheritance: Various modes of inheritance.

Allele frequency attached by ClinVar (database versions not stated): gnomAD 0.00001; gnomAD exomes 0.00001; TOPMed 0.00001.
gnomAD v4.1: 14 of 1,613,918 alleles (0.00087%); highest among the groups gnomAD compares: Non-Finnish European, 0.0012%; no homozygotes.

Submissions (3):

GeneDx
Classification: Uncertain significance. Last evaluated: 2024-03-24. Review status: criteria provided, single submitter. Criteria: GeneDx Variant Classification Process June 2021. Collection method: clinical testing. Allele origin: germline. Affected: yes.
Comment: Has not been previously published as pathogenic or benign to our knowledge; Not observed at significant frequency in large population cohorts (gnomAD); In silico analysis supports that this missense variant has a deleterious effect on protein structure/function

Ambry Genetics
Classification: Uncertain significance for Cardiovascular phenotype. Last evaluated: 2022-12-25. Review status: criteria provided, single submitter. Criteria: Ambry Variant Classification Scheme 2023. Collection method: clinical testing. Allele origin: germline.
Comment: The p.K561R variant (also known as c.1682A>G), located in coding exon 15 of the ANK2 gene, results from an A to G substitution at nucleotide position 1682. The lysine at codon 561 is replaced by arginine, an amino acid with highly similar properties. This amino acid position is conserved. In addition, this alteration is predicted to be tolerated by in silico analysis. Since supporting evidence is limited at this time, the clinical significance of this alteration remains unclear.

Labcorp Genetics (formerly Invitae), Labcorp
Classification: Uncertain significance for Long QT syndrome. Last evaluated: 2022-04-21. Review status: criteria provided, single submitter. Criteria: Invitae Variant Classification Sherloc (09022015). Collection method: clinical testing. Allele origin: germline.
Comment: In summary, the available evidence is currently insufficient to determine the role of this variant in disease. Therefore, it has been classified as a Variant of Uncertain Significance. Algorithms developed to predict the effect of sequence changes on RNA splicing suggest that this variant may disrupt the consensus splice site. Algorithms developed to predict the effect of missense changes on protein structure and function are either unavailable or do not agree on the potential impact of this missense change (SIFT: "Tolerated"; PolyPhen-2: "Probably Damaging"; Align-GVGD: "Class C0"). This variant has not been reported in the literature in individuals affected with ANK2-related conditions. This variant is present in population databases (no rsID available, gnomAD 0.0009%). This sequence change replaces lysine, which is basic and polar, with arginine, which is basic and polar, at codon 561 of the ANK2 protein (p.Lys561Arg).